The following is an entry in ClinVar:

NM_001384140.1(PCDH15):c.4203-7C>T

Gene: PCDH15 (protocadherin related 15; minus strand). Cytogenetic location: 10q21.1.
Variant type: single nucleotide variant.
Coding change: c.4203-7C>T on transcript NM_001384140.1 (MANE Select); 7 bases into the intron before coding-DNA position 4203, C replaced by T.
Molecular consequence: intron variant.
Genome position (GRCh38, 1-based): chr10:53,828,580, G>A on the plus strand (C>T on the coding strand, the complement: PCDH15 is on the minus strand). VCF-style: chr10-53828580-G-A. GRCh37 (hg19) VCF-style: chr10-55588340-G-A.
Other names: c.4203-7C>T (NM_001354420.2, NM_001354429.2, NM_001142772.2 and 3 more transcripts); c.4218-7C>T (NM_001142771.2, NM_001142763.2); c.4224-7C>T (NM_001354411.2); c.4239-7C>T (NM_001142769.3); c.4137-7C>T (NM_001354404.2, NM_001142768.2); c.4137-1032C>T (NM_001142773.2); c.4092-1032C>T (NM_001142767.2); c.3990-7C>T (NM_001142765.2); and 1 more.
Identifiers: ClinVar variation 795464 (VCV000795464.17), dbSNP rs1209357687, ClinGen allele CA666437445.

ClinVar aggregate classification (germline): Conflicting classifications of pathogenicity. Review status: criteria provided, conflicting classifications (1 of 4 stars). 3 submissions from 3 submitters: Uncertain significance (1); Likely benign (2). Last evaluated 2025-10-01.

Allele frequency attached by ClinVar (database versions not stated): TOPMed below 0.00001; gnomAD 0.00001; gnomAD exomes 0.00001.
gnomAD v4.1: 11 of 1,547,646 alleles (0.00071%); highest among the groups gnomAD compares: Non-Finnish European, 0.00098%; no homozygotes.

Submissions (3):

CeGaT Center for Human Genetics Tuebingen
Classification: Uncertain significance. Last evaluated: 2025-10-01. Review status: criteria provided, single submitter. Criteria: CeGaT Center For Human Genetics Tuebingen Variant Classification Criteria Version 2. Collection method: clinical testing. Allele origin: germline. Affected: yes. Observed: 1 variant allele.
Comment: PCDH15: PM2, BP4

Labcorp Genetics (formerly Invitae), Labcorp
Classification: Likely benign. Last evaluated: 2023-03-14. Review status: criteria provided, single submitter. Criteria: Invitae Variant Classification Sherloc (09022015). Collection method: clinical testing. Allele origin: germline.

Breakthrough Genomics
Classification: Likely benign. Review status: criteria provided, single submitter. Criteria: ACMG Guidelines, 2015. Collection method: not provided. Allele origin: germline. Inheritance: Autosomal recessive inheritance. Affected: yes.